The following is an entry in ClinVar:

NM_031935.3(HMCN1):c.7700T>G (p.Val2567Gly)

Gene: HMCN1 (hemicentin 1; plus strand). Cytogenetic location: 1q31.1.
Variant type: single nucleotide variant.
Coding change: c.7700T>G on transcript NM_031935.3 (MANE Select); coding-DNA position 7700, T replaced by G.
Protein change: p.Val2567Gly; replaces valine 2567 with glycine.
Molecular consequence: missense variant.
Genome position (GRCh38, 1-based): chr1:186,065,424, T>G. VCF-style: chr1-186065424-T-G. GRCh37 (hg19) VCF-style: chr1-186034556-T-G.
Other names: c.7700T>G (NM_031935.2); short protein forms V2567G.
Identifiers: ClinVar variation 1921055 (VCV001921055.6), dbSNP rs373297829, ClinGen allele CA1292911.
Genomic context (GRCh38, chr1:186,065,424, plus strand): 5'-GATATACATGTTTGGCTTCCAGTCCAGCTGGCCACAAGAGCAGGAGCTTCAGTCTTAATG[T>G]ATTTGGTAGGTGTGGGCTTTTCTTCATATCTTAAAGAATCTGACATGACTGTAGGCTAAA-3'
Protein context (NP_114141.2, residues 2557-2577): GHKSRSFSLN[Val2567Gly]FVSPTIAGVG

ClinVar aggregate classification (germline): Uncertain significance. Review status: criteria provided, multiple submitters, no conflicts (2 of 4 stars). 2 submissions from 2 submitters: Uncertain significance (2). Last evaluated 2025-11-25.

Allele frequency attached by ClinVar (database versions not stated): ExAC 0.00001; gnomAD exomes 0.00001; gnomAD 0.00003; TOPMed 0.00005; ESP Exome Variant Server 0.00008.
gnomAD v4.1: 8 of 1,597,442 alleles (0.0005%); highest among the groups gnomAD compares: African/African-American, 0.0094%; no homozygotes.

Submissions (2):

Ambry Genetics
Classification: Uncertain significance. Last evaluated: 2025-11-25. Review status: criteria provided, single submitter. Criteria: Ambry Variant Classification Scheme 2023. Collection method: clinical testing. Allele origin: germline.

Labcorp Genetics (formerly Invitae), Labcorp
Classification: Uncertain significance. Last evaluated: 2024-11-11. Review status: criteria provided, single submitter. Criteria: Invitae Variant Classification Sherloc (09022015). Collection method: clinical testing. Allele origin: germline.
Comment: This sequence change replaces valine, which is neutral and non-polar, with glycine, which is neutral and non-polar, at codon 2567 of the HMCN1 protein (p.Val2567Gly). This variant is present in population databases (rs373297829, gnomAD 0.02%). This variant has not been reported in the literature in individuals affected with HMCN1-related conditions. ClinVar contains an entry for this variant (Variation ID: 1921055). An algorithm developed to predict the effect of missense changes on protein structure and function (PolyPhen-2) suggests that this variant is likely to be disruptive. In summary, the available evidence is currently insufficient to determine the role of this variant in disease. Therefore, it has been classified as a Variant of Uncertain Significance.